The following is an entry in ClinVar:

NM_002473.6(MYH9):c.4813C>T (p.Arg1605Cys)

Gene: MYH9 (myosin heavy chain 9; minus strand). Cytogenetic location: 22q12.3.
Variant type: single nucleotide variant.
Coding change: c.4813C>T on transcript NM_002473.6 (MANE Select); coding-DNA position 4813, C replaced by T.
Protein change: p.Arg1605Cys; replaces arginine 1605 with cysteine.
Molecular consequence: missense variant.
Genome position (GRCh38, 1-based): chr22:36,288,371, G>A on the plus strand (C>T on the coding strand, the complement: MYH9 is on the minus strand). VCF-style: chr22-36288371-G-A. GRCh37 (hg19) VCF-style: chr22-36684417-G-A.
Other names: short protein forms R1605C.
Identifiers: ClinVar variation 4987318 (VCV004987318.1).

ClinVar aggregate classification (germline): Uncertain significance (1 of 4 stars; one submission).

Conditions:
MYH9-related disorder. Identifiers: MedGen C1854520.

gnomAD v4.1: 9 of 1,613,288 alleles (0.00056%); highest among the groups gnomAD compares: African/African-American, 0.004%; no homozygotes.

Submission:

PreventionGenetics, part of Exact Sciences
Classification: Uncertain significance for MYH9-related condition. Last evaluated: 2026-07-11. Review status: criteria provided, single submitter. Criteria: ACMG Guidelines, 2015. Collection method: clinical testing. Allele origin: germline.
Comment: The MYH9 c.4813C>T variant is predicted to result in the amino acid substitution p.Arg1605Cys. To our knowledge, this variant has not been reported in the literature. This variant is reported in 0.0047% of alleles in individuals of European (Finnish) descent in gnomAD. At this time, the clinical significance of this variant is uncertain due to the absence of conclusive functional and genetic evidence.